The following is an entry in ClinVar:

NM_001127222.2(CACNA1A):c.3691C>T (p.Pro1231Ser)

Gene: CACNA1A (calcium voltage-gated channel subunit alpha1 A; minus strand). Cytogenetic location: 19p13.13.
Variant type: single nucleotide variant.
Coding change: c.3691C>T on transcript NM_001127222.2 (MANE Select); coding-DNA position 3691, C replaced by T.
Protein change: p.Pro1231Ser; replaces proline 1231 with serine.
Molecular consequence: missense variant.
Genome position (GRCh38, 1-based): chr19:13,285,069, G>A on the plus strand (C>T on the coding strand, the complement: CACNA1A is on the minus strand). VCF-style: chr19-13285069-G-A. GRCh37 (hg19) VCF-style: chr19-13395883-G-A.
Other names: c.3703C>T, p.Pro1235Ser (NM_000068.4, NM_023035.3); c.3694C>T, p.Pro1232Ser (NM_001127221.2, NM_001174080.2); short protein forms P1235S, P1231S, P1232S.
Identifiers: ClinVar variation 2923599 (VCV002923599.3), dbSNP rs372070025, ClinGen allele CA305563120.

ClinVar aggregate classification (germline): Uncertain significance (1 of 4 stars; one submission).

Conditions:
Developmental and epileptic encephalopathy, 42 (DEE42A). Also called: DEVELOPMENTAL AND EPILEPTIC ENCEPHALOPATHY 42A; EPILEPTIC ENCEPHALOPATHY, EARLY INFANTILE, 42A; Epileptic encephalopathy, early infantile, 42. Identifiers: MedGen C4310716, MONDO:0014917, OMIM 617106.
Episodic ataxia type 2 (EA2). Also called: ACETAZOLAMIDE-RESPONSIVE HEREDITARY PAROXYSMAL CEREBELLAR ATAXIA; ATAXIA, EPISODIC, WITH NYSTAGMUS; ATAXIA, FAMILIAL PAROXYSMAL; CEREBELLAR ATAXIA, PAROXYSMAL, ACETAZOLAMIDE-RESPONSIVE; CEREBELLOPATHY, HEREDITARY PAROXYSMAL; EPISODIC ATAXIA, NYSTAGMUS-ASSOCIATED. Identifiers: Orphanet 97, MedGen C1720416, MONDO:0007163, OMIM 108500.

gnomAD v4.1: 1 of 1,613,962 alleles (0.000062%); highest among the groups gnomAD compares: Non-Finnish European, 0.000085%; no homozygotes.

Submission:

Labcorp Genetics (formerly Invitae), Labcorp
Classification: Uncertain significance for Developmental and epileptic encephalopathy, 42; Episodic ataxia type 2. Last evaluated: 2023-08-07. Review status: criteria provided, single submitter. Criteria: Invitae Variant Classification Sherloc (09022015). Collection method: clinical testing. Allele origin: germline.
Comment: This sequence change replaces proline, which is neutral and non-polar, with serine, which is neutral and polar, at codon 1232 of the CACNA1A protein (p.Pro1232Ser). This variant is not present in population databases (gnomAD no frequency). This variant has not been reported in the literature in individuals affected with CACNA1A-related conditions. An algorithm developed to predict the effect of missense changes on protein structure and function (PolyPhen-2) suggests that this variant is likely to be disruptive. In summary, the available evidence is currently insufficient to determine the role of this variant in disease. Therefore, it has been classified as a Variant of Uncertain Significance.